The following is an entry in ClinVar:

NM_001130823.3(DNMT1):c.3292C>T (p.Arg1098Cys)

Gene: DNMT1 (DNA methyltransferase 1; minus strand). Cytogenetic location: 19p13.2.
Variant type: single nucleotide variant.
Coding change: c.3292C>T on transcript NM_001130823.3 (MANE Select); coding-DNA position 3292, C replaced by T.
Protein change: p.Arg1098Cys; replaces arginine 1098 with cysteine.
Molecular consequence: missense variant.
Genome position (GRCh38, 1-based): chr19:10,142,045, G>A on the plus strand (C>T on the coding strand, the complement: DNMT1 is on the minus strand). VCF-style: chr19-10142045-G-A. GRCh37 (hg19) VCF-style: chr19-10252721-G-A.
Other names: c.3244C>T, p.Arg1082Cys (NM_001318730.2, NM_001379.4); c.2929C>T, p.Arg977Cys (NM_001318731.2); short protein forms R1098C, R977C, R1082C.
Identifiers: ClinVar variation 1401198 (VCV001401198.6), dbSNP rs1316623288, ClinGen allele CA403974698.

ClinVar aggregate classification (germline): Uncertain significance (1 of 4 stars; one submission).

Conditions:
Hereditary sensory neuropathy-deafness-dementia syndrome. Also called: Hereditary Sensory and Autonomic Neuropathy Type 1E (HSAN1E); NEUROPATHY, HEREDITARY SENSORY, WITH HEARING LOSS AND DEMENTIA; Hereditary sensory neuropathy type IE; HSN IE. Identifiers: Orphanet 456318, MedGen C3279885, MONDO:0013584, OMIM 614116.

Allele frequency attached by ClinVar (database versions not stated): gnomAD exomes 0.00001.
gnomAD v4.1: 9 of 1,612,372 alleles (0.00056%); highest among the groups gnomAD compares: Non-Finnish European, 0.00068%; no homozygotes.

Submission:

Labcorp Genetics (formerly Invitae), Labcorp
Classification: Uncertain significance for Hereditary sensory neuropathy-deafness-dementia syndrome. Last evaluated: 2024-10-29. Review status: criteria provided, single submitter. Criteria: Invitae Variant Classification Sherloc (09022015). Collection method: clinical testing. Allele origin: germline.
Comment: This sequence change replaces arginine, which is basic and polar, with cysteine, which is neutral and slightly polar, at codon 1098 of the DNMT1 protein (p.Arg1098Cys). This variant is present in population databases (no rsID available, gnomAD 0.002%). This variant has not been reported in the literature in individuals affected with DNMT1-related conditions. ClinVar contains an entry for this variant (Variation ID: 1401198). Invitae Evidence Modeling of protein sequence and biophysical properties (such as structural, functional, and spatial information, amino acid conservation, physicochemical variation, residue mobility, and thermodynamic stability) indicates that this missense variant is not expected to disrupt DNMT1 protein function with a negative predictive value of 80%. In summary, the available evidence is currently insufficient to determine the role of this variant in disease. Therefore, it has been classified as a Variant of Uncertain Significance.